The following is an entry in ClinVar:

ClinVar aggregate classification (germline): Conflicting classifications of pathogenicity. Review status: criteria provided, conflicting classifications (1 of 4 stars). 2 submissions from 2 submitters: Uncertain significance (1); Likely benign (1). Last evaluated 2024-10-04.

Allele frequency attached by ClinVar (database versions not stated): TOPMed 0.00001; gnomAD 0.00001.
gnomAD v4.1: 3 of 1,614,098 alleles (0.00019%); highest among the groups gnomAD compares: Admixed American, 0.0017%; no homozygotes.

Submissions (2):

Labcorp Genetics (formerly Invitae), Labcorp
Classification: Likely benign. Last evaluated: 2024-10-04. Review status: criteria provided, single submitter. Criteria: Invitae Variant Classification Sherloc (09022015). Collection method: clinical testing. Allele origin: germline.

GeneDx
Classification: Uncertain significance. Last evaluated: 2022-07-01. Review status: criteria provided, single submitter. Criteria: GeneDx Variant Classification Process June 2021. Collection method: clinical testing. Allele origin: germline. Affected: yes.
Comment: Not observed at significant frequency in large population cohorts (gnomAD); In silico analysis supports that this missense variant has a deleterious effect on protein structure/function; Has not been previously published as pathogenic or benign to our knowledge

NM_006766.5(KAT6A):c.5666G>A (p.Arg1889His)

Gene: KAT6A (lysine acetyltransferase 6A; minus strand). Cytogenetic location: 8p11.21.
Variant type: single nucleotide variant.
Coding change: c.5666G>A on transcript NM_006766.5 (MANE Select); coding-DNA position 5666, G replaced by A.
Protein change: p.Arg1889His; replaces arginine 1889 with histidine.
Molecular consequence: missense variant.
Genome position (GRCh38, 1-based): chr8:41,932,554, C>T on the plus strand (G>A on the coding strand, the complement: KAT6A is on the minus strand). VCF-style: chr8-41932554-C-T. GRCh37 (hg19) VCF-style: chr8-41790072-C-T.
Other names: short protein forms R1889H.
Identifiers: ClinVar variation 734321 (VCV000734321.6), dbSNP rs1342950357, ClinGen allele CA371060929.
Genomic context (GRCh38, chr8:41,932,554, plus strand): 5'-TAGGCGGGAGTAGGCATCAGATTAACCCCCATGTTCATGCCACGCTGAACAGCCAGTGCG[C>T]GAGGGCCAGCCTGCATGGCAACTGCCGATGGGCTACGGCCATACAGCTGCTGCTGGTGAG-3'
Protein context (NP_006757.2, residues 1879-1899): PSAVAMQAGP[Arg1889His]ALAVQRGMNM